The following is an entry in ClinVar:

ClinVar aggregate classification (germline): Uncertain significance (1 of 4 stars; one submission).

Submission:

Mayo Clinic Laboratories, Mayo Clinic
Classification: Uncertain significance. Last evaluated: 2023-12-19. Review status: criteria provided, single submitter. Criteria: ACMG Guidelines, 2015. Collection method: clinical testing. Allele origin: germline. Observed: 1 variant allele.
Comment: PM2_moderate

NM_005482.3(PIGK):c.712G>A (p.Asp238Asn)

Gene: PIGK (phosphatidylinositol glycan anchor biosynthesis class K; minus strand). Cytogenetic location: 1p31.1.
Variant type: single nucleotide variant.
Coding change: c.712G>A on transcript NM_005482.3 (MANE Select); coding-DNA position 712, G replaced by A.
Protein change: p.Asp238Asn; replaces aspartic acid 238 with asparagine.
Molecular consequence: missense variant.
Genome position (GRCh38, 1-based): chr1:77,161,396, C>T on the plus strand (G>A on the coding strand, the complement: PIGK is on the minus strand). VCF-style: chr1-77161396-C-T. GRCh37 (hg19) VCF-style: chr1-77627081-C-T.
Other names: p.Asp238Asn; short protein forms D238N.
Identifiers: ClinVar variation 3379753 (VCV003379753.1).